The following is an entry in ClinVar:

ClinVar aggregate classification (germline): Uncertain significance (1 of 4 stars; one submission).

Submission:

GeneDx
Classification: Uncertain significance. Last evaluated: 2025-07-18. Review status: criteria provided, single submitter. Criteria: GeneDx Variant Classification Process June 2021. Collection method: clinical testing. Allele origin: germline. Affected: yes.
Comment: Not observed at significant frequency in large population cohorts (gnomAD); Has not been previously published as pathogenic or benign to our knowledge; Frameshift variant predicted to result in abnormal protein length as the last 87 amino acid(s) are replaced with 111 different amino acid(s) with an unclear effect on protein function

NM_001367871.1(FBRSL1):c.2739_2745dup (p.Ala916fs)

Gene: FBRSL1 (fibrosin like 1; plus strand). Cytogenetic location: 12q24.33.
Variant type: Duplication.
Coding change: c.2739_2745dup on transcript NM_001367871.1 (MANE Select); coding-DNA positions 2739 to 2745, 7 bases duplicated (CGCCCCC; older notation c.2739_2745dupCGCCCCC).
Protein change: p.Ala916fs; shifts the reading frame from alanine 916.
Molecular consequence: frameshift variant.
Genome position (GRCh38, 1-based): chr12:132,583,508-132,583,514, CGCCCCC duplicated; duplicating any 7 consecutive bases within chr12:132,583,507-132,583,514 gives the same sequence; the c. name uses the placement nearest the transcript's 3' end. VCF-style (leftmost placement, unchanged base first): chr12-132583506-G-GCCGCCCC. GRCh37 (hg19) VCF-style: chr12-133160092-G-GCCGCCCC.
Other names: c.2868_2874dup, p.Ala959fs (NM_001142641.2); c.2793_2799dup, p.Ala934fs (NM_001382739.1); c.2118_2124dup, p.Ala709fs (NM_001382740.1); short protein forms A709fs, A916fs, A934fs, A959fs.
Identifiers: ClinVar variation 4686531 (VCV004686531.1).